The following is an entry in ClinVar:

NM_000092.5(COL4A4):c.4249_4250del (p.Arg1417fs)

Gene: COL4A4 (collagen type IV alpha 4 chain; minus strand). Cytogenetic location: 2q36.3.
Variant type: Deletion.
Coding change: c.4249_4250del on transcript NM_000092.5 (MANE Select); coding-DNA positions 4249 to 4250, 2 bases deleted (AG; older notation c.4249_4250delAG).
Protein change: p.Arg1417fs; shifts the reading frame from arginine 1417.
Molecular consequence: frameshift variant.
Genome position (GRCh38, 1-based): chr2:227,012,264-227,012,265, CT deleted on the plus strand (AG on the coding strand, the reverse complement: COL4A4 is on the minus strand); deleting any 2 consecutive bases within chr2:227,012,264-227,012,266 gives the same sequence; the c. name uses the placement nearest the transcript's 3' end. VCF-style (leftmost placement, unchanged base first): chr2-227012263-CCT-C. GRCh37 (hg19) VCF-style: chr2-227876979-CCT-C.
Other names: c.4249_4250delAG (NM_000092.4); short protein forms R1417fs.
Identifiers: ClinVar variation 3377032 (VCV003377032.1).

ClinVar aggregate classification (germline): Pathogenic (1 of 4 stars; one submission).

Conditions:
Alport syndrome. Also called: Hemorrhagic familial nephritis; Hemorrhagic hereditary nephritis; Congenital hereditary hematuria. Identifiers: Orphanet 63, MedGen C1567741, MONDO:0018965.

Submission:

Victorian Clinical Genetics Services, Murdoch Childrens Research Institute
Classification: Pathogenic for Alport syndrome. Last evaluated: 2024-10-09. Review status: criteria provided, single submitter. Criteria: ACMG Guidelines, 2015. Collection method: clinical testing. Allele origin: germline. Affected: yes.
Comment: Based on the classification scheme VCGS_Germline_v1.3.4, this variant is classified as Pathogenic. Following criteria are met: 0103 - Loss of function is a known mechanism of disease for this gene and is associated with Alport syndrome. Dominant negative is a suspected mechanism of disease for this gene as it is a structural protein (PMIDs: 12028435, 24046192). (I) 0108 - This gene is associated with both recessive and dominant disease. Alport syndrome typically has biallelic inheritance, although rare cases of monoallelic inheritance have been reported (PMID: 28704582). Thin basement membrane nephropathy (TBMN) and focal segmental glomerulosclerosis (FSGS) are associated with autosomal dominant inheritance (OMIM, PMIDs: 16467446, 17942953). (I) 0201 - Variant is predicted to cause nonsense-mediated decay (NMD) and loss of protein (premature termination codon is located at least 54 nucleotides upstream of the final exon-exon junction). (SP) 0251 - This variant is heterozygous. (I) 0301 - Variant is absent from gnomAD (both v2 and v3). (SP) 0701 - Other NMD-predicted variants comparable to the one identified in this case have very strong previous evidence for pathogenicity. There are many NMD-predicted variants reported as pathogenic in ClinVar. (SP) 0807 - This variant has no previous evidence of pathogenicity. (I) 0905 - No published segregation evidence has been identified for this variant. (I) 1007 - No published functional evidence has been identified for this variant. (I) 1208 - Inheritance information for this variant is not currently available in this individual. (I) Legend: (SP) - Supporting pathogenic, (I) - Information, (SB) - Supporting benign

Literature cited by the submitters: PubMed 12028435; PubMed 16467446; PubMed 17942953; PubMed 24046192; PubMed 28704582.